The following is an entry in ClinVar:

NC_000015.9:g.(?_89859982)_(90294462_?)dup

Genes: POLG (DNA polymerase gamma, catalytic subunit; minus strand), RHCG (Rh family C glycoprotein; minus strand), TICRR (TOPBP1 interacting checkpoint and replication regulator; plus strand), WDR93 (WD repeat domain 93; plus strand), FANCI (FA complementation group I; plus strand) and 6 more. Cytogenetic location: 15q26.1.
Variant type: Duplication.
Identifiers: ClinVar variation 1448361 (VCV001448361.5).

ClinVar aggregate classification (germline): Uncertain significance (1 of 4 stars; one submission).

Submission:

Labcorp Genetics (formerly Invitae), Labcorp
Classification: Uncertain significance. Last evaluated: 2022-07-11. Review status: criteria provided, single submitter. Criteria: Invitae Variant Classification Sherloc (09022015). Collection method: clinical testing. Allele origin: germline.
Comment: In summary, the available evidence is currently insufficient to determine the role of this variant in disease. Therefore, it has been classified as a Variant of Uncertain Significance. This variant has not been reported in the literature in individuals affected with MESP1-related conditions. A copy number gain of the genomic region encompassing the full coding sequence of the MESP1 gene has been identified. The boundaries of this event are unknown as they extend beyond the assayed region for this gene and therefore may encompass additional genes. As the precise location of this event is unknown, it may be in tandem or it may be located elsewhere in the genome.